The following is an entry in ClinVar:

ClinVar aggregate classification (germline): Likely benign (1 of 4 stars; one submission).

Allele frequency attached by ClinVar (database versions not stated): gnomAD 0.00013; TOPMed 0.00013; ESP Exome Variant Server 0.00015; ExAC 0.00025.

Submission:

CeGaT Center for Human Genetics Tuebingen
Classification: Likely benign. Last evaluated: 2023-03-01. Review status: criteria provided, single submitter. Criteria: CeGaT Center For Human Genetics Tuebingen Variant Classification Criteria Version 2. Collection method: clinical testing. Allele origin: germline. Affected: yes. Observed: 1 variant allele.
Comment: CLSPN: BP4, BP7

NM_022111.4(CLSPN):c.165G>A (p.Lys55=)

Gene: CLSPN (claspin; minus strand). Cytogenetic location: 1p34.3.
Variant type: single nucleotide variant.
Coding change: c.165G>A on transcript NM_022111.4 (MANE Select); coding-DNA position 165, G replaced by A.
Protein change: p.Lys55=; no amino-acid change (lysine 55 retained).
Molecular consequence: synonymous variant.
Genome position (GRCh38, 1-based): chr1:35,764,683, C>T on the plus strand (G>A on the coding strand, the complement: CLSPN is on the minus strand). VCF-style: chr1-35764683-C-T. GRCh37 (hg19) VCF-style: chr1-36230284-C-T.
Other names: c.165G>A, p.Lys55= (NM_001190481.2, NM_001330490.2).
Identifiers: ClinVar variation 2638658 (VCV002638658.24), dbSNP rs143701108, ClinGen allele CA762214.